The following is an entry in ClinVar:

NM_001206979.2(NR1H4):c.975A>G (p.Lys325=)

Gene: NR1H4 (nuclear receptor subfamily 1 group H member 4; plus strand). Cytogenetic location: 12q23.1.
Variant type: single nucleotide variant.
Coding change: c.975A>G on transcript NM_001206979.2 (MANE Select); coding-DNA position 975, A replaced by G.
Protein change: p.Lys325=; no amino-acid change (lysine 325 retained).
Molecular consequence: synonymous variant. On other transcripts: non-coding transcript variant (1).
Genome position (GRCh38, 1-based): chr12:100,540,715, A>G. VCF-style: chr12-100540715-A-G. GRCh37 (hg19) VCF-style: chr12-100934493-A-G.
Other names: c.975A>G, p.Lys325= (NM_001206977.2); c.822A>G, p.Lys274= (NM_001206978.2); c.993A>G, p.Lys331= (NM_001206992.2); c.1005A>G, p.Lys335= (NM_001206993.2); c.963A>G, p.Lys321= (NM_005123.4).
Identifiers: ClinVar variation 4989231 (VCV004989231.1).

ClinVar aggregate classification (germline): Likely benign (1 of 4 stars; one submission).

Conditions:
NR1H4-related disorder. Also called: NR1H4-related condition.

Submission:

PreventionGenetics, part of Exact Sciences
Classification: Likely benign for NR1H4-related condition. Last evaluated: 2026-02-10. Review status: criteria provided, single submitter. Criteria: ACMG Guidelines, 2015. Collection method: clinical testing. Allele origin: germline.
Comment: This variant is classified as likely benign based on ACMG/AMP sequence variant interpretation guidelines (Richards et al. 2015 PMID: 25741868, with internal and published modifications).